The following is an entry in ClinVar:

NM_001199138.2(NLRC4):c.129C>T (p.Cys43=)

Gene: NLRC4 (NLR family CARD domain containing 4; minus strand). Cytogenetic location: 2p22.3.
Variant type: single nucleotide variant.
Coding change: c.129C>T on transcript NM_001199138.2 (MANE Select); coding-DNA position 129, C replaced by T.
Protein change: p.Cys43=; no amino-acid change (cysteine 43 retained).
Molecular consequence: synonymous variant.
Genome position (GRCh38, 1-based): chr2:32,252,552, G>A on the plus strand (C>T on the coding strand, the complement: NLRC4 is on the minus strand). VCF-style: chr2-32252552-G-A. GRCh37 (hg19) VCF-style: chr2-32477621-G-A.
Other names: c.129C>T, p.Cys43= (NM_001199139.2, NM_001302504.2, NM_021209.5).
Identifiers: ClinVar variation 951848 (VCV000951848.15), dbSNP rs200374202, ClinGen allele CA44755235.

ClinVar aggregate classification (germline): Conflicting classifications of pathogenicity. Review status: criteria provided, conflicting classifications (1 of 4 stars). 4 submissions from 4 submitters: Uncertain significance (1); Likely benign (2). 1 of the submissions does not count toward it. Last evaluated 2025-09-19.

Conditions:
Autoinflammatory syndrome. Identifiers: Orphanet 93665, MedGen C3890737, MONDO:0019751.
Periodic fever-infantile enterocolitis-autoinflammatory syndrome. Also called: Autoinflammation with infantile enterocolitis. Identifiers: Orphanet 436166, MedGen C4015067, MONDO:0014472, OMIM 616050.
Familial cold autoinflammatory syndrome 4 (FCAS4). Identifiers: Orphanet 47045, Orphanet 576349, MedGen C4015276, MONDO:0014498, OMIM 616115.
NLRC4-related disorder. Also called: NLRC4-related condition.

Allele frequency attached by ClinVar (database versions not stated): gnomAD 0.00002 and 0.00003; gnomAD exomes 0.00002 and 0.00003; TOPMed 0.00004; 1000 Genomes Project 30x 0.00016; 1000 Genomes Project 0.00020.
gnomAD v4.1: 50 of 1,614,130 alleles (0.0031%); highest among the groups gnomAD compares: Middle Eastern, 0.099%; no homozygotes.

Submissions (4):

Labcorp Genetics (formerly Invitae), Labcorp
Classification: Likely benign for Periodic fever-infantile enterocolitis-autoinflammatory syndrome; Familial cold autoinflammatory syndrome 4. Last evaluated: 2025-09-19. Review status: criteria provided, single submitter. Criteria: Invitae Variant Classification Sherloc (09022015). Collection method: clinical testing. Allele origin: germline.

Blueprint Genetics
Classification: Likely benign. Last evaluated: 2023-05-17. Review status: criteria provided, single submitter. Criteria: ACMG Guidelines, 2015. Collection method: clinical testing. Allele origin: germline.

Genome Diagnostics Laboratory, The Hospital for Sick Children
Classification: Uncertain significance for Autoinflammatory syndrome. Last evaluated: 2021-09-21. Review status: criteria provided, single submitter. Criteria: ACMG Guidelines, 2015. Collection method: clinical testing. Allele origin: germline. Affected: yes.

PreventionGenetics, part of Exact Sciences
Classification: Likely benign for NLRC4-related condition. Last evaluated: 2022-11-14. Review status: no assertion criteria provided. Collection method: clinical testing. Allele origin: germline. Not counted in ClinVar's aggregate classification.
Comment: This variant is classified as likely benign based on ACMG/AMP sequence variant interpretation guidelines (Richards et al. 2015 PMID: 25741868, with internal and published modifications).